The following is an entry in ClinVar:

NM_005506.4(SCARB2):c.475A>G (p.Met159Val)

Gene: SCARB2 (scavenger receptor class B member 2; minus strand). Cytogenetic location: 4q21.1.
Variant type: single nucleotide variant.
Coding change: c.475A>G on transcript NM_005506.4 (MANE Select); coding-DNA position 475, A replaced by G.
Protein change: p.Met159Val; replaces methionine 159 with valine.
Molecular consequence: missense variant. On other transcripts: intron variant (1).
Genome position (GRCh38, 1-based): chr4:76,179,654, T>C on the plus strand (A>G on the coding strand, the complement: SCARB2 is on the minus strand). VCF-style: chr4-76179654-T-C. GRCh37 (hg19) VCF-style: chr4-77100807-T-C.
Other names: p.M159V:ATG>GTG; p.Met159Val; c.276-3744A>G (NM_001204255.2); short protein forms M159V.
Identifiers: ClinVar variation 206702 (VCV000206702.45), dbSNP rs143655258, ClinGen allele CA317054.

ClinVar aggregate classification (germline): Benign/Likely benign. Review status: criteria provided, multiple submitters, no conflicts (2 of 4 stars). 12 submissions from 12 submitters: Benign (9); Likely benign (1). 2 of the submissions do not count toward it. Last evaluated 2026-08-01.

Conditions:
Inborn genetic diseases. Identifiers: MedGen C0950123, MeSH D030342.
Progressive myoclonic epilepsy. Also called: Myoclonic Epilepsies, Progressive; Familial progressive myoclonic epilepsy; Myoclonus epilepsy; Progressive myoclonus epilepsy. Identifiers: Orphanet 308, Orphanet 98261, MedGen C0751778, MONDO:0020074.
Action myoclonus-renal failure syndrome. Also called: SCARB2-Related Action Myoclonus-Renal Failure Syndrome; MYOCLONUS-NEPHROPATHY SYNDROME; EPILEPSY, PROGRESSIVE MYOCLONIC, 4, WITH RENAL FAILURE; EPILEPSY, PROGRESSIVE MYOCLONIC, 4, WITHOUT RENAL FAILURE. Identifiers: Orphanet 163696, MedGen C0751779, MeSH D020191, MONDO:0009699, OMIM 254900.
Focal segmental glomerulosclerosis (FSGS). Also called: Glomerulosclerosis, focal; Focal sclerosis with hyalinosis. Identifiers: MedGen C0017668, MONDO:0100313, HP:0000097. Disease mechanism: loss of function.

Allele frequency attached by ClinVar (database versions not stated): gnomAD 0.00858 and 0.00833; ESP Exome Variant Server 0.00861; gnomAD exomes 0.00861; ExAC 0.00896; 1000 Genomes Project 30x 0.00375; 1000 Genomes Project 0.00379; TOPMed 0.00824.

Submissions (12):

CeGaT Center for Human Genetics Tuebingen
Classification: Benign. Last evaluated: 2026-08-01. Review status: criteria provided, single submitter. Criteria: CeGaT Center For Human Genetics Tuebingen Variant Classification Criteria Version 2. Collection method: clinical testing. Allele origin: germline. Affected: yes. Observed: 14 variant alleles.
Comment: SCARB2: BP4, BS1, BS2

Labcorp Genetics (formerly Invitae), Labcorp
Classification: Benign for Progressive myoclonic epilepsy. Last evaluated: 2026-02-03. Review status: criteria provided, single submitter. Criteria: Invitae Variant Classification Sherloc (09022015). Collection method: clinical testing. Allele origin: germline.

Blueprint Genetics
Classification: Likely benign. Last evaluated: 2024-11-26. Review status: criteria provided, single submitter. Criteria: ACMG Guidelines, 2015. Collection method: clinical testing. Allele origin: germline.

Genome Diagnostics Laboratory, The Hospital for Sick Children
Classification: Benign for Focal segmental glomerulosclerosis. Last evaluated: 2021-10-13. Review status: criteria provided, single submitter. Criteria: ACMG Guidelines, 2015. Collection method: clinical testing. Allele origin: germline.

Mayo Clinic Laboratories, Mayo Clinic
Classification: Benign. Last evaluated: 2018-12-06. Review status: criteria provided, single submitter. Criteria: ACMG Guidelines, 2015. Collection method: clinical testing. Allele origin: germline. Observed: 9 variant alleles.

Athena Diagnostics
Classification: Benign. Last evaluated: 2018-07-03. Review status: criteria provided, single submitter. Criteria: Athena Diagnostics Criteria. Collection method: clinical testing. Allele origin: germline.

Ambry Genetics
Classification: Benign for Inborn genetic diseases. Last evaluated: 2017-05-05. Review status: criteria provided, single submitter. Criteria: Ambry Variant Classification Scheme 2023. Collection method: clinical testing. Allele origin: germline.

GeneDx
Classification: Benign. Last evaluated: 2014-06-18. Review status: criteria provided, single submitter. Criteria: GeneDx Variant Classification (06012015). Collection method: clinical testing. Allele origin: germline. Affected: yes.
Comment: This variant is considered likely benign or benign based on one or more of the following criteria: it is a conservative change, it occurs at a poorly conserved position in the protein, it is predicted to be benign by multiple in silico algorithms, and/or has population frequency not consistent with disease.

Breakthrough Genomics
Classification: Benign. Review status: criteria provided, single submitter. Criteria: ACMG Guidelines, 2015. Collection method: not provided. Allele origin: germline. Inheritance: Autosomal recessive inheritance. Affected: yes.

PreventionGenetics, part of Exact Sciences
Classification: Benign. Review status: criteria provided, single submitter. Criteria: ACMG Guidelines, 2015. Collection method: clinical testing. Allele origin: germline.

Diagnostic Laboratory, Department of Genetics, University Medical Center Groningen
Classification: Benign for Action myoclonus-renal failure syndrome. Review status: no assertion criteria provided. Collection method: clinical testing. Allele origin: germline. Affected: yes. Study: VKGL Data-share Consensus. Not counted in ClinVar's aggregate classification.

Genome Diagnostics Laboratory, University Medical Center Utrecht
Classification: Benign. Review status: no assertion criteria provided. Collection method: clinical testing. Allele origin: germline. Affected: yes. Study: VKGL Data-share Consensus. Not counted in ClinVar's aggregate classification.

Literature cited by the submitters: PubMed 25088547 (cited by Athena Diagnostics).